The following is an entry in ClinVar:

ClinVar aggregate classification (germline): Benign/Likely benign. Review status: criteria provided, multiple submitters, no conflicts (2 of 4 stars). 4 submissions from 4 submitters: Benign (2); Likely benign (1). 1 of the submissions does not count toward it. Last evaluated 2026-08-01.

Conditions:
DNHD1-related disorder. Also called: DNHD1-related condition.

Allele frequency attached by ClinVar (database versions not stated): 1000 Genomes Project 30x 0.00031; gnomAD exomes 0.00038 and 0.00064; 1000 Genomes Project 0.00040; ESP Exome Variant Server 0.00046; ExAC 0.00050; gnomAD 0.00054 and 0.00057; TOPMed 0.00059.
gnomAD v4.1: 680 of 1,614,152 alleles (0.042%); highest among the groups gnomAD compares: Middle Eastern, 0.81%; 1 homozygote.

Submissions (4):

CeGaT Center for Human Genetics Tuebingen
Classification: Likely benign. Last evaluated: 2026-08-01. Review status: criteria provided, single submitter. Criteria: CeGaT Center For Human Genetics Tuebingen Variant Classification Criteria Version 2. Collection method: clinical testing. Allele origin: germline. Affected: yes. Observed: 1 variant allele.
Comment: DNHD1: PP2, BP4, BS2

Labcorp Genetics (formerly Invitae), Labcorp
Classification: Benign. Last evaluated: 2019-12-31. Review status: criteria provided, single submitter. Criteria: Invitae Variant Classification Sherloc (09022015). Collection method: clinical testing. Allele origin: germline.

Breakthrough Genomics
Classification: Benign. Review status: criteria provided, single submitter. Criteria: ACMG Guidelines, 2015. Collection method: not provided. Allele origin: germline. Inheritance: Autosomal recessive inheritance. Affected: yes.

PreventionGenetics, part of Exact Sciences
Classification: Likely benign for DNHD1-related condition. Last evaluated: 2019-05-22. Review status: no assertion criteria provided. Collection method: clinical testing. Allele origin: germline. Not counted in ClinVar's aggregate classification.
Comment: This variant is classified as likely benign based on ACMG/AMP sequence variant interpretation guidelines (Richards et al. 2015 PMID: 25741868, with internal and published modifications).

NM_144666.3(DNHD1):c.1160G>A (p.Arg387Gln)

Gene: DNHD1 (dynein heavy chain domain 1; plus strand). Cytogenetic location: 11p15.4.
Variant type: single nucleotide variant.
Coding change: c.1160G>A on transcript NM_144666.3 (MANE Select); coding-DNA position 1160, G replaced by A.
Protein change: p.Arg387Gln; replaces arginine 387 with glutamine.
Molecular consequence: missense variant.
Genome position (GRCh38, 1-based): chr11:6,509,197, G>A. VCF-style: chr11-6509197-G-A. GRCh37 (hg19) VCF-style: chr11-6530427-G-A.
Other names: c.1160G>A, p.Arg387Gln (NM_173589.4); short protein forms R387Q.
Identifiers: ClinVar variation 736151 (VCV000736151.8), dbSNP rs147108806, ClinGen allele CA5855507.
Genomic context (GRCh38, chr11:6,509,197, plus strand): 5'-ATTATCACTGACCTCTAATTTCTAGTTGGAAGAAGAATGTGAGATTACAGGGGCTGCATC[G>A]ACTCCAGAAATTCCTAGAGAATCATCTGCTCTTGGCTGTGCCCCACTTTGGAGCTGGGCT-3'
Protein context (NP_653267.2, residues 377-397): KKNVRLQGLH[Arg387Gln]LQKFLENHLL